The following is an entry in ClinVar:

NM_021095.4(SLC5A6):c.158G>A (p.Arg53Gln)

Gene: SLC5A6 (solute carrier family 5 member 6; minus strand). Cytogenetic location: 2p23.3.
Variant type: single nucleotide variant.
Coding change: c.158G>A on transcript NM_021095.4 (MANE Select); coding-DNA position 158, G replaced by A.
Protein change: p.Arg53Gln; replaces arginine 53 with glutamine.
Molecular consequence: missense variant. On other transcripts: non-coding transcript variant (1).
Genome position (GRCh38, 1-based): chr2:27,207,493, C>T on the plus strand (G>A on the coding strand, the complement: SLC5A6 is on the minus strand). VCF-style: chr2-27207493-C-T. GRCh37 (hg19) VCF-style: chr2-27430361-C-T.
Other names: short protein forms R53Q.
Identifiers: ClinVar variation 2400536 (VCV002400536.10), dbSNP rs376846645, ClinGen allele CA1571905.
Genomic context (GRCh38, chr2:27,207,493, plus strand): 5'-AGTGCCACCGGAAGGCAGCCCATTTTGCGGTCCGCCATCAGCAGCTCACCAACAGTATGC[C>T]GGCCCCAGCCACGACAAGCATGGTAGAGCCCAATGGCAAGAGAGAGAACCAGCAGCAGGA-3'
Protein context (NP_066918.2, residues 43-63): GLYHACRGWG[Arg53Gln]HTVGELLMAD

ClinVar aggregate classification (germline): Uncertain significance. Review status: criteria provided, multiple submitters, no conflicts (2 of 4 stars). 2 submissions from 2 submitters: Uncertain significance (2). Last evaluated 2025-06-01.

Conditions:
Inborn genetic diseases. Identifiers: MedGen C0950123, MeSH D030342.

Allele frequency attached by ClinVar (database versions not stated): ExAC 0.00005; gnomAD 0.00005; TOPMed 0.00005; ESP Exome Variant Server 0.00008; gnomAD exomes 0.00022.
gnomAD v4.1: 314 of 1,614,062 alleles (0.019%); highest among the groups gnomAD compares: Non-Finnish European, 0.025%; no homozygotes.

Submissions (2):

CeGaT Center for Human Genetics Tuebingen
Classification: Uncertain significance. Last evaluated: 2025-06-01. Review status: criteria provided, single submitter. Criteria: CeGaT Center For Human Genetics Tuebingen Variant Classification Criteria Version 2. Collection method: clinical testing. Allele origin: germline. Affected: yes. Observed: 1 variant allele.
Comment: SLC5A6: PM2, BP4

Ambry Genetics
Classification: Uncertain significance for Inborn genetic diseases. Last evaluated: 2021-07-15. Review status: criteria provided, single submitter. Criteria: Ambry Variant Classification Scheme 2023. Collection method: clinical testing. Allele origin: germline.